The following is an entry in ClinVar:

NM_018100.4(EFHC1):c.1369C>T (p.Arg457Cys)

Gene: EFHC1 (EF-hand domain containing 1; plus strand). Cytogenetic location: 6p12.2.
Variant type: single nucleotide variant.
Coding change: c.1369C>T on transcript NM_018100.4 (MANE Select); coding-DNA position 1369, C replaced by T.
Protein change: p.Arg457Cys; replaces arginine 457 with cysteine.
Molecular consequence: missense variant. On other transcripts: non-coding transcript variant (1).
Genome position (GRCh38, 1-based): chr6:52,479,127, C>T. VCF-style: chr6-52479127-C-T. GRCh37 (hg19) VCF-style: chr6-52343925-C-T.
Other names: c.1312C>T, p.Arg438Cys (NM_001172420.2); short protein forms R457C, R438C.
Identifiers: ClinVar variation 411569 (VCV000411569.14), dbSNP rs373196171, ClinGen allele CA3856073.

ClinVar aggregate classification (germline): Uncertain significance. Review status: criteria provided, multiple submitters, no conflicts (2 of 4 stars). 2 submissions from 2 submitters: Uncertain significance (2). Last evaluated 2022-08-16.

Conditions:
Myoclonic epilepsy, juvenile, susceptibility to, 1. Also called: Myoclonic Epilepsy, Juvenile, 1; EJM1. Identifiers: MedGen C1850778, MONDO:0020752, OMIM 254770.
Absence seizure. Also called: Absence epilepsy. Identifiers: Orphanet 1941, MedGen C0014553.

Allele frequency attached by ClinVar (database versions not stated): gnomAD exomes 0.00004 and 0.00008; ESP Exome Variant Server 0.00008; ExAC 0.00012; gnomAD 0.00015; 1000 Genomes Project 30x 0.00016; TOPMed 0.00019; 1000 Genomes Project 0.00020.
gnomAD v4.1: 77 of 1,614,122 alleles (0.0048%); highest among the groups gnomAD compares: African/African-American, 0.049%; 1 homozygote.

Submissions (2):

Labcorp Genetics (formerly Invitae), Labcorp
Classification: Uncertain significance for Myoclonic epilepsy, juvenile, susceptibility to, 1; Absence seizure. Last evaluated: 2022-08-16. Review status: criteria provided, single submitter. Criteria: Invitae Variant Classification Sherloc (09022015). Collection method: clinical testing. Allele origin: germline.
Comment: In summary, the available evidence is currently insufficient to determine the role of this variant in disease. Therefore, it has been classified as a Variant of Uncertain Significance. This variant has not been reported in the literature in individuals affected with EFHC1-related conditions. ClinVar contains an entry for this variant (Variation ID: 411569). Algorithms developed to predict the effect of missense changes on protein structure and function (SIFT, PolyPhen-2, Align-GVGD) all suggest that this variant is likely to be disruptive. This variant is present in population databases (rs373196171, gnomAD 0.04%). This sequence change replaces arginine, which is basic and polar, with cysteine, which is neutral and slightly polar, at codon 457 of the EFHC1 protein (p.Arg457Cys).

Athena Diagnostics
Classification: Uncertain significance. Last evaluated: 2021-06-14. Review status: criteria provided, single submitter. Criteria: Athena Diagnostics Criteria. Collection method: clinical testing. Allele origin: unknown.